The following is an entry in ClinVar:

ClinVar aggregate classification (germline): Likely benign. Review status: criteria provided, single submitter (1 of 4 stars). 2 submissions from 2 submitters: Likely benign (1). 1 of the submissions does not count toward it. Last evaluated 2025-10-20.

Conditions:
SPR-related disorder. Also called: SPR-related condition.
Dystonic disorder. Also called: Dystonia. Identifiers: MedGen C0013421, MONDO:0003441, HP:0001332.

Allele frequency attached by ClinVar (database versions not stated): ExAC 0.00001; gnomAD 0.00002 and 0.00005; TOPMed 0.00019.

Submissions (2):

Labcorp Genetics (formerly Invitae), Labcorp
Classification: Likely benign for Dystonic disorder. Last evaluated: 2025-10-20. Review status: criteria provided, single submitter. Criteria: Invitae Variant Classification Sherloc (09022015). Collection method: clinical testing. Allele origin: germline.

PreventionGenetics, part of Exact Sciences
Classification: Likely benign for SPR-related condition. Last evaluated: 2019-03-28. Review status: no assertion criteria provided. Collection method: clinical testing. Allele origin: germline. Not counted in ClinVar's aggregate classification.
Comment: This variant is classified as likely benign based on ACMG/AMP sequence variant interpretation guidelines (Richards et al. 2015 PMID: 25741868, with internal and published modifications).

NM_003124.5(SPR):c.666G>A (p.Leu222=)

Gene: SPR (sepiapterin reductase; plus strand). Cytogenetic location: 2p13.2.
Variant type: single nucleotide variant.
Coding change: c.666G>A on transcript NM_003124.5 (MANE Select); coding-DNA position 666, G replaced by A.
Protein change: p.Leu222=; no amino-acid change (leucine 222 retained).
Molecular consequence: synonymous variant.
Genome position (GRCh38, 1-based): chr2:72,891,417, G>A. VCF-style: chr2-72891417-G-A. GRCh37 (hg19) VCF-style: chr2-73118546-G-A.
Other names: c.666G>A (NM_003124.4).
Identifiers: ClinVar variation 1634614 (VCV001634614.10), dbSNP rs527705688, ClinGen allele CA1709018.